The following is an entry in ClinVar:

NM_199069.2(NDUFAF3):c.180_181insT (p.Asp61Ter)

Gene: NDUFAF3 (NADH:ubiquinone oxidoreductase complex assembly factor 3; plus strand). Cytogenetic location: 3p21.31.
Variant type: Insertion.
Coding change: c.180_181insT on transcript NM_199069.2 (MANE Select); coding-DNA positions 180 to 181, T inserted.
Protein change: p.Asp61Ter; replaces aspartic acid 61 with a stop codon.
Molecular consequence: nonsense.
Genome position: GRCh38 VCF-style: chr3-49022448-C-CT. GRCh37 (hg19) VCF-style: chr3-49059881-C-CT.
Other names: c.9_10insT, p.Asp4Ter (NM_199070.2, NM_199073.2, NM_199074.2); short protein forms D4*, D61*.
Identifiers: ClinVar variation 208598 (VCV000208598.8), dbSNP rs752864722, ClinGen allele CA204573.

ClinVar aggregate classification (germline): Conflicting classifications of pathogenicity. Review status: criteria provided, conflicting classifications (1 of 4 stars). 2 submissions from 2 submitters: Likely pathogenic (1); Uncertain significance (1). Last evaluated 2024-12-20.

Conditions:
Mitochondrial complex I deficiency. Also called: NADH:Q(1) OXIDOREDUCTASE DEFICIENCY. Identifiers: Orphanet 2609, MedGen C1838979, MeSH C537475, MONDO:0100133.

Allele frequency attached by ClinVar (database versions not stated): gnomAD 0.00004; gnomAD exomes 0.00004 and 0.00010; TOPMed 0.00007; ExAC 0.00014; ESP Exome Variant Server 0.00016.

Submissions (2):

GeneDx
Classification: Likely pathogenic. Last evaluated: 2024-12-20. Review status: criteria provided, single submitter. Criteria: GeneDx Variant Classification Process June 2021. Collection method: clinical testing. Allele origin: germline. Affected: yes.
Comment: Nonsense variant predicted to result in protein truncation or nonsense mediated decay in a gene for which loss of function is a known mechanism of disease; Not observed at significant frequency in large population cohorts (gnomAD); Has not been previously published as pathogenic or benign to our knowledge

Laboratory for Molecular Medicine, Mass General Brigham Personalized Medicine
Classification: Uncertain significance for Mitochondrial complex I deficiency. Last evaluated: 2014-10-20. Review status: criteria provided, single submitter. Criteria: LMM Criteria. Collection method: clinical testing. Allele origin: germline. Observed: 1 variant allele. Study: CSER-MedSeq.
Comment: The p.Asp61X variant in NDUFAF3 has not been previously reported in individuals with mitochondrial complex I deficiency, but has been identified in 0.02% (2/8250) of European American chromosomes by the NHLBI Exome Sequencing Project. This nonsense variant leads to a premature termination codon at position 61, which is predicted to lead to a truncated or absent protein. While complete loss of NDUFAF3 function has been described in a several individuals with mitochondrial complex I deficiency (Saada 2009), the gene-disease association has not been fully established. In summary, while there is some suspicion for a pathogenic role, the clinical significance of the p.Asp61X variant is uncertain.

Literature cited by the submitters: PubMed 19463981 (cited by Laboratory for Molecular Medicine, Mass General Brigham Personalized Medicine).